The following is an entry in ClinVar:

ClinVar aggregate classification (germline): Benign/Likely benign. Review status: criteria provided, multiple submitters, no conflicts (2 of 4 stars). 5 submissions from 5 submitters: Benign (2); Likely benign (2). 1 of the submissions does not count toward it. Last evaluated 2026-01-03.

Conditions:
MYLK-related disorder. Also called: MYLK-related condition.
Familial thoracic aortic aneurysm and aortic dissection (TAAD). Also called: Thoracic aortic aneurysms and dissections. Identifiers: Orphanet 91387, MedGen C4707243, MONDO:0019625.
Aortic aneurysm, familial thoracic 7 (AAT7). Also called: AORTIC DISSECTION, FAMILIAL, WITH OR WITHOUT AORTIC ANEURYSM. Identifiers: MedGen C3151077, MONDO:0013418, OMIM 613780.

Allele frequency attached by ClinVar (database versions not stated): gnomAD exomes 0.00005 and 0.00018; ExAC 0.00022; TOPMed 0.00065; gnomAD 0.00068 and 0.00071; ESP Exome Variant Server 0.00069; 1000 Genomes Project 30x 0.00094; 1000 Genomes Project 0.00100.
gnomAD v4.1: 183 of 1,613,778 alleles (0.011%); highest among the groups gnomAD compares: African/African-American, 0.23%; no homozygotes.

Submissions (5):

Labcorp Genetics (formerly Invitae), Labcorp
Classification: Benign for Aortic aneurysm, familial thoracic 7. Last evaluated: 2026-01-03. Review status: criteria provided, single submitter. Criteria: Invitae Variant Classification Sherloc (09022015). Collection method: clinical testing. Allele origin: germline.

Women's Health and Genetics/Laboratory Corporation of America, LabCorp
Classification: Benign. Last evaluated: 2023-07-21. Review status: criteria provided, single submitter. Criteria: LabCorp Variant Classification Summary - May 2015. Collection method: clinical testing. Allele origin: germline.

GeneDx
Classification: Likely benign. Last evaluated: 2021-02-19. Review status: criteria provided, single submitter. Criteria: GeneDx Variant Classification Process June 2021. Collection method: clinical testing. Allele origin: germline. Affected: yes.

Ambry Genetics
Classification: Likely benign for Familial thoracic aortic aneurysm and aortic dissection. Last evaluated: 2017-05-12. Review status: criteria provided, single submitter. Criteria: Ambry Variant Classification Scheme 2023. Collection method: clinical testing. Allele origin: germline.

PreventionGenetics, part of Exact Sciences
Classification: Likely benign for MYLK-related condition. Last evaluated: 2022-01-18. Review status: no assertion criteria provided. Collection method: clinical testing. Allele origin: germline. Not counted in ClinVar's aggregate classification.
Comment: This variant is classified as likely benign based on ACMG/AMP sequence variant interpretation guidelines (Richards et al. 2015 PMID: 25741868, with internal and published modifications).

NM_053025.4(MYLK):c.4014T>C (p.Pro1338=)

Gene: MYLK (myosin light chain kinase; minus strand). Cytogenetic location: 3q21.1.
Variant type: single nucleotide variant.
Coding change: c.4014T>C on transcript NM_053025.4 (MANE Select); coding-DNA position 4014, T replaced by C.
Protein change: p.Pro1338=; no amino-acid change (proline 1338 retained).
Molecular consequence: synonymous variant.
Genome position (GRCh38, 1-based): chr3:123,657,400, A>G on the plus strand (T>C on the coding strand, the complement: MYLK is on the minus strand). VCF-style: chr3-123657400-A-G. GRCh37 (hg19) VCF-style: chr3-123376247-A-G.
Other names: c.3486T>C, p.Pro1162= (NM_001321309.2); c.3807T>C, p.Pro1269= (NM_053026.4, NM_053028.4); c.4014T>C, p.Pro1338= (NM_053027.4).
Identifiers: ClinVar variation 471728 (VCV000471728.21), dbSNP rs55669734, ClinGen allele CA070821.